The following is an entry in ClinVar:

NM_004304.5(ALK):c.3314T>A (p.Ile1105Asn)

Gene: ALK (ALK receptor tyrosine kinase; minus strand). Cytogenetic location: 2p23.2.
Variant type: single nucleotide variant.
Coding change: c.3314T>A on transcript NM_004304.5 (MANE Select); coding-DNA position 3314, T replaced by A.
Protein change: p.Ile1105Asn; replaces isoleucine 1105 with asparagine.
Molecular consequence: missense variant.
Genome position (GRCh38, 1-based): chr2:29,223,387, A>T on the plus strand (T>A on the coding strand, the complement: ALK is on the minus strand). VCF-style: chr2-29223387-A-T. GRCh37 (hg19) VCF-style: chr2-29446253-A-T.
Other names: c.110T>A, p.Ile37Asn (NM_001353765.2); short protein forms I37N, I1105N.
Identifiers: ClinVar variation 1730123 (VCV001730123.2), dbSNP rs2148170786, ClinGen allele CA346464753.

ClinVar aggregate classification (germline): Uncertain significance (1 of 4 stars; one submission).

Conditions:
Hereditary cancer-predisposing syndrome. Also called: Neoplastic Syndromes, Hereditary; Tumor predisposition; Hereditary Cancer Syndrome; Hereditary neoplastic syndrome. Identifiers: Orphanet 140162, MedGen C0027672, MeSH D009386, MONDO:0015356.

Submission:

Ambry Genetics
Classification: Uncertain significance for Hereditary cancer-predisposing syndrome. Last evaluated: 2022-03-12. Review status: criteria provided, single submitter. Criteria: Ambry Variant Classification Scheme 2023. Collection method: clinical testing. Allele origin: germline.
Comment: The p.I1105N variant (also known as c.3314T>A), located in coding exon 20 of the ALK gene, results from a T to A substitution at nucleotide position 3314. The isoleucine at codon 1105 is replaced by asparagine, an amino acid with dissimilar properties. This amino acid position is conserved. In addition, this alteration is predicted to be deleterious by in silico analysis. Since supporting evidence is limited at this time, the clinical significance of this alteration remains unclear.